The following is an entry in ClinVar:

NM_001126121.2(SLC25A19):c.561C>G (p.Pro187=)

Gene: SLC25A19 (solute carrier family 25 member 19; minus strand). Cytogenetic location: 17q25.1.
Variant type: single nucleotide variant.
Coding change: c.561C>G on transcript NM_001126121.2 (MANE Select); coding-DNA position 561, C replaced by G.
Protein change: p.Pro187=; no amino-acid change (proline 187 retained).
Molecular consequence: synonymous variant.
Genome position (GRCh38, 1-based): chr17:75,278,234, G>C on the plus strand (C>G on the coding strand, the complement: SLC25A19 is on the minus strand). VCF-style: chr17-75278234-G-C. GRCh37 (hg19) VCF-style: chr17-73274315-G-C.
Other names: c.561C>G, p.Pro187= (NM_001126122.2, NM_021734.5).
Identifiers: ClinVar variation 515766 (VCV000515766.1), dbSNP rs750475474, ClinGen allele CA8760956.

ClinVar aggregate classification (germline): Likely benign (1 of 4 stars; one submission).

Allele frequency attached by ClinVar (database versions not stated): TOPMed below 0.00001; ExAC 0.00001; gnomAD exomes 0.00001.
gnomAD v4.1: 3 of 1,614,112 alleles (0.00019%); highest among the groups gnomAD compares: East Asian, 0.0067%; no homozygotes.

Submission:

GeneDx
Classification: Likely benign. Last evaluated: 2018-03-08. Review status: criteria provided, single submitter. Criteria: GeneDx Variant Classification (06012015). Collection method: clinical testing. Allele origin: germline. Affected: yes.
Comment: This variant is considered likely benign or benign based on one or more of the following criteria: it is a conservative change, it occurs at a poorly conserved position in the protein, it is predicted to be benign by multiple in silico algorithms, and/or has population frequency not consistent with disease.